The following is an entry in ClinVar:

ClinVar aggregate classification (germline): Pathogenic (1 of 4 stars; one submission).

Conditions:
Intellectual disability-facial dysmorphism syndrome due to SETD5 haploinsufficiency (MRD23). Also called: Intellectual developmental disorder, autosomal dominant 23. Identifiers: Orphanet 404440, MedGen C3810406, MONDO:0014336, OMIM 615761.

Submission:

Pittsburgh Clinical Genomics Laboratory, University of Pittsburgh Medical Center
Classification: Pathogenic for Intellectual disability-facial dysmorphism syndrome due to SETD5 haploinsufficiency. Last evaluated: 2024-05-09. Review status: criteria provided, single submitter. Criteria: ACMG Guidelines, 2015. Collection method: clinical testing. Allele origin: germline. Inheritance: Autosomal dominant inheritance. Affected: yes.
Comment: This sequence variant is a single nucleotide deletion at position 1605 of the coding sequence of the SETD5 gene that results in an early termination signal 8 codons downstream of the frameshift at codon 536. As it occurs in exon 14 of 23, this variant is predicted to generate a non-functional allele through either the expression of a truncated protein or a loss of SETD5 expression due to nonsense-mediated decay. This novel variant is absent from ClinVar, publications, and the gnomAD v4.1.0 population database (0/1461698 alleles). Haploinsufficiency in SETD5 is a known mechanism of disease (PMID: 24680889). Based upon the evidence, we consider this variant to be pathogenic. ACMG Criteria: PM2, PS2, PVS1

Literature cited by the submitters: PubMed 24680889.

NM_001080517.3(SETD5):c.1605del (p.Leu536fs)

Gene: SETD5 (SET domain containing 5; plus strand). Cytogenetic location: 3p25.3.
Variant type: Deletion.
Coding change: c.1605del on transcript NM_001080517.3 (MANE Select); coding-DNA position 1605, one base deleted (C; older notation c.1605delC).
Protein change: p.Leu536fs; shifts the reading frame from leucine 536.
Molecular consequence: frameshift variant.
Genome position (GRCh38, 1-based): chr3:9,447,130, C deleted; the last of 3 consecutive C bases (chr3:9,447,128-9,447,130); deleting any one gives the same sequence. VCF-style (leftmost placement, unchanged base first): chr3-9447127-GC-G. GRCh37 (hg19) VCF-style: chr3-9488811-GC-G.
Other names: c.1311del, p.Leu438fs (NM_001292043.2, NM_001349451.2); short protein forms L438fs, L536fs.
Identifiers: ClinVar variation 3376410 (VCV003376410.1).